The following is an entry in ClinVar:

NM_000038.6(APC):c.2373C>A (p.His791Gln)

Gene: APC (APC regulator of WNT signaling pathway; plus strand). Cytogenetic location: 5q22.2.
Variant type: single nucleotide variant.
Coding change: c.2373C>A on transcript NM_000038.6 (MANE Select); coding-DNA position 2373, C replaced by A.
Protein change: p.His791Gln; replaces histidine 791 with glutamine.
Molecular consequence: missense variant. On other transcripts: non-coding transcript variant (2).
Genome position (GRCh38, 1-based): chr5:112,837,967, C>A. VCF-style: chr5-112837967-C-A. GRCh37 (hg19) VCF-style: chr5-112173664-C-A.
Other names: c.2373C>A, p.His791Gln (NM_001127510.3, NM_001354895.2, NM_001407450.1); c.2319C>A, p.His773Gln (NM_001127511.3); c.2427C>A, p.His809Gln (NM_001354896.2, NM_001407447.1, NM_001407448.1 and 1 more transcripts); c.2403C>A, p.His801Gln (NM_001354897.2); c.2298C>A, p.His766Gln (NM_001354898.2); c.2289C>A, p.His763Gln (NM_001354899.2); c.2250C>A, p.His750Gln (NM_001354900.2); c.2196C>A, p.His732Gln (NM_001354901.2, NM_001407453.1); and 11 more; short protein forms H407Q, H508Q, H631Q, H662Q, H665Q, H690Q, H700Q, H708Q.
Identifiers: ClinVar variation 3386259 (VCV003386259.1).

ClinVar aggregate classification (germline): Uncertain significance (1 of 4 stars; one submission).

Conditions:
Classic or attenuated familial adenomatous polyposis. Identifiers: MedGen CN372698, MONDO:0021057.

Submission:

All of Us Research Program, National Institutes of Health
Classification: Uncertain significance for Classic or attenuated familial adenomatous polyposis. Last evaluated: 2024-04-25. Review status: criteria provided, single submitter. Criteria: ACMG Guidelines, 2015. Collection method: clinical testing. Allele origin: germline. Inheritance: Autosomal dominant inheritance. Observed: 1 variant allele, 1 heterozygote.
Comment: This missense variant replaces histidine with glutamine at codon 791 of the APC protein. Computational prediction is inconclusive regarding the impact of this variant on protein structure and function. To our knowledge, functional studies have not been reported for this variant. This variant has not been reported in individuals affected with APC-related disorders in the literature. This variant has not been identified in the general population by the Genome Aggregation Database (gnomAD). The available evidence is insufficient to determine the role of this variant in disease conclusively. Therefore, this variant is classified as a Variant of Uncertain Significance.

This study involves interpretation of variants in research participants for the purpose of population health screening. Participant phenotype was not available at the time of variant classification. Additional details can be found in publication PMID: 35346344, PMCID: PMC8962531